The following is an entry in ClinVar:

ClinVar aggregate classification (germline): Uncertain significance (1 of 4 stars; one submission).

gnomAD v4.1: 2 of 1,613,814 alleles (0.00012%); highest among the groups gnomAD compares: Non-Finnish European, 0.00017%; no homozygotes.

Submission:

Ambry Genetics
Classification: Uncertain significance. Last evaluated: 2023-01-26. Review status: criteria provided, single submitter. Criteria: Ambry Variant Classification Scheme 2023. Collection method: clinical testing. Allele origin: germline.
Comment: The p.I2338T variant (also known as c.7013T>C), located in coding exon 25 of the POLQ gene, results from a T to C substitution at nucleotide position 7013. The isoleucine at codon 2338 is replaced by threonine, an amino acid with similar properties. This amino acid position is conserved. In addition, this alteration is predicted to be deleterious by in silico analysis. Since supporting evidence is limited at this time, the clinical significance of this alteration remains unclear.

NM_199420.4(POLQ):c.7013T>C (p.Ile2338Thr)

Gene: POLQ (DNA polymerase theta; minus strand). Cytogenetic location: 3q13.33.
Variant type: single nucleotide variant.
Coding change: c.7013T>C on transcript NM_199420.4 (MANE Select); coding-DNA position 7013, T replaced by C.
Protein change: p.Ile2338Thr; replaces isoleucine 2338 with threonine.
Molecular consequence: missense variant.
Genome position (GRCh38, 1-based): chr3:121,460,189, A>G on the plus strand (T>C on the coding strand, the complement: POLQ is on the minus strand). VCF-style: chr3-121460189-A-G. GRCh37 (hg19) VCF-style: chr3-121179036-A-G.
Other names: short protein forms I2338T.
Identifiers: ClinVar variation 2448988 (VCV002448988.2), dbSNP rs2546764845, ClinGen allele CA354107612.